The following is an entry in ClinVar:

NM_004493.3(HSD17B10):c.388C>T (p.Arg130Cys)

Gene: HSD17B10 (hydroxysteroid 17-beta dehydrogenase 10; minus strand). Cytogenetic location: Xp11.22.
Variant type: single nucleotide variant.
Coding change: c.388C>T on transcript NM_004493.3 (MANE Select); coding-DNA position 388, C replaced by T.
Protein change: p.Arg130Cys; replaces arginine 130 with cysteine.
Molecular consequence: missense variant.
Genome position (GRCh38, 1-based): chrX:53,432,086, G>A on the plus strand (C>T on the coding strand, the complement: HSD17B10 is on the minus strand). VCF-style: chrX-53432086-G-A. GRCh37 (hg19) VCF-style: chrX-53459034-G-A.
Other names: c.388C>T, p.Arg130Cys (NM_001037811.2); short protein forms R130C.
Identifiers: ClinVar variation 11442 (VCV000011442.9), dbSNP rs28935475, ClinGen allele CA121447.
Genomic context (GRCh38, chrX:53,432,086, plus strand): 5'-TGACCCCACGTTGGCCTCCCTGGTCTGGTTCATTCTGGCCCATCTCACCAGCCACCAGGC[G>A]GATCACATTGAAGGTGCCCATGAGATTCACCTGTAGGACAGATGGAGACATGCTATAGGA-3'
Protein context (NP_004484.1, residues 120-140): VNLMGTFNVI[Arg130Cys]LVAGEMGQNE

ClinVar aggregate classification (germline): Pathogenic. Review status: criteria provided, multiple submitters, no conflicts (2 of 4 stars). 5 submissions from 5 submitters: Pathogenic (4). 1 of the submissions does not count toward it. Last evaluated 2025-08-26.

Conditions:
HSD10 mitochondrial disease (HSD10MD). Also called: 2-METHYL-3-HYDROXYBUTYRYL-CoA DEHYDROGENASE DEFICIENCY; 2-methyl-3-hydroxybutyric aciduria; HSD10 deficiency; 3H2MBD deficiency; 3-hydroxy-2-methylbutyryl-CoA dehydrogenase deficiency; 2M3HBA. Identifiers: Orphanet 391417, Orphanet 85295, MedGen C3266731, MONDO:0010327, OMIM 300438. Disease mechanism: loss of function.

Submissions (5):

3billion
Classification: Pathogenic for HSD10 mitochondrial disease. Last evaluated: 2025-08-26. Review status: criteria provided, single submitter. Criteria: ACMG Guidelines, 2015. Collection method: clinical testing. Allele origin: germline. Affected: yes.
Comment: The variant is not observed in the gnomAD v4.1.0 dataset. Predicted Consequence/Location: Missense variant. Missense changes are a common disease-causing mechanism. Functional studies provide strong evidence of the variant having a damaging effect on the gene or gene product (PMID: 12696021, 20077426). In silico tool predictions suggest damaging effect of the variant on gene or gene product [REVEL: 0.95 (>=0.6, sensitivity 0.68 and specificity 0.92); 3Cnet: 0.88 (> 0.75, sensitivity 0.96 and precision 0.92)]. The same nucleotide change resulting in the same amino acid change has been previously reported as pathogenic/likely pathogenic with strong evidence (ClinVar ID: VCV000011442 /PMID: 12696021 /3billion dataset). The variant has been observed in multiple (>3) similarly affected unrelated individuals (PMID: 12696021, 16148061, 17618155). Therefore, this variant is classified as Pathogenic according to the recommendation of ACMG/AMP guideline.

Labcorp Genetics (formerly Invitae), Labcorp
Classification: Pathogenic. Last evaluated: 2019-06-27. Review status: criteria provided, single submitter. Criteria: Invitae Variant Classification Sherloc (09022015). Collection method: clinical testing. Allele origin: germline.
Comment: This sequence change replaces arginine with cysteine at codon 130 of the HSD17B10 protein (p.Arg130Cys). The arginine residue is highly conserved and there is a large physicochemical difference between arginine and cysteine. This variant is not present in population databases (ExAC no frequency). This variant has been observed in several individuals affected with 2-methyl-3-hydroxybutyryl-CoA dehydrogenase deficiency (PMID: 12696021, 18996107, 23266819). ClinVar contains an entry for this variant (Variation ID: 11442). This variant has been reported to affect HSD17B10 protein function (PMID: 12696021, 24549042). For these reasons, this variant has been classified as Pathogenic.

Victorian Clinical Genetics Services, Murdoch Childrens Research Institute
Classification: Pathogenic for HSD10 mitochondrial disease. Last evaluated: 2018-02-24. Review status: criteria provided, single submitter. Criteria: ACMG Guidelines, 2015. Collection method: clinical testing. Allele origin: maternal. Affected: yes. Observed: 2 variant alleles.
Comment: A hemizygous missense variant, NM_001037811.2(HSD17B10):c.388C>T, has been identified in exon 4 of 6 of the HSD17B10 gene. The variant is predicted to result in a major amino acid change from arginine to cysteine at position 130 of the protein (NP_004484.1(HSD17B10):p.(Arg130Cys)). The arginine at this position has high conservation (100 vertebrates, UCSC), and is located within the short chain dehydrogenase functional domain. In-silico predictions for this variant are consistently pathogenic (Polyphen, SIFT, CADD, Mutation Taster). The variant is absent in population databases (gnomAD, dbSNP, 1000G). The variant has been previously described as pathogenic and has previously been reported as de-novo or maternally inherited in multiple families with HSD10 mitochondrial disease (ClinVar, OMIM, Zschocke J. (2012)). Additionally, immunoanalysis and studies of enzyme activity showed decreased amount of the enzyme and complete absence of enzyme activity (Yang S.Y., et al. (2009)). Based on the information available at the time of curation, this variant has been classified as PATHOGENIC.

Institute of Human Genetics Munich, TUM University Hospital
Classification: Pathogenic for HSD10 mitochondrial disease. Last evaluated: 2017-10-25. Review status: criteria provided, single submitter. Criteria: Classification criteria August 2017. Collection method: clinical testing. Allele origin: germline. Inheritance: X-linked inheritance. Affected: yes. Observed: 1 hemizygote.

OMIM
Classification: Pathogenic for HSD10 MITOCHONDRIAL DISEASE. Last evaluated: 2010-02-01. Review status: no assertion criteria provided. Collection method: literature only. Allele origin: germline. Not counted in ClinVar's aggregate classification.

Literature cited by the submitters: PubMed 20077426 (cited by 3billion and OMIM); PubMed 17618155 (cited by 3billion and OMIM); PubMed 12696021 (cited by 3 submitters); PubMed 16148061 (cited by 3billion and OMIM); PubMed 18996107 (cited by Labcorp Genetics (formerly Invitae), Labcorp); PubMed 23266819 (cited by Labcorp Genetics (formerly Invitae), Labcorp); PubMed 24549042 (cited by Labcorp Genetics (formerly Invitae), Labcorp); PubMed 11102558 (cited by OMIM); PubMed 12112118 (cited by OMIM); Poll-The, B. T., Duran, M., Ruiter, J. P. N., Wanders, R. J. A., Barth, P. G. Mild cerebral white matter disease associated with 2-methyl-3-hydroxybutyryl-CoA dehydrogenase deficiency. J. Inherit. Metab. Dis. 24: 59-only, 2001. (cited by OMIM); PubMed 16176262 (cited by OMIM); PubMed 12872843 (cited by OMIM).